The following is an entry in ClinVar:

NM_001379150.1(IRS4):c.1576G>A (p.Gly526Arg)

Gene: IRS4 (insulin receptor substrate 4; minus strand). Cytogenetic location: Xq22.3.
Variant type: single nucleotide variant.
Coding change: c.1576G>A on transcript NM_001379150.1 (MANE Select); coding-DNA position 1576, G replaced by A.
Protein change: p.Gly526Arg; replaces glycine 526 with arginine.
Molecular consequence: missense variant.
Genome position (GRCh38, 1-based): chrX:108,734,769, C>T on the plus strand (G>A on the coding strand, the complement: IRS4 is on the minus strand). VCF-style: chrX-108734769-C-T. GRCh37 (hg19) VCF-style: chrX-107977999-C-T.
Other names: c.1576G>A, p.Gly526Arg (NM_001440817.1, NM_003604.2); short protein forms G526R.
Identifiers: ClinVar variation 4281129 (VCV004281129.7).
Genomic context (GRCh38, chrX:108,734,769, plus strand): 5'-AGCACTGGTTTCCTCCTGAGCCCTGGCCATTTGAGCCCTGACCACCTCGGGATCCCTGTC[C>T]CTCGCCTGAACACTGGTTTCCTCCCGAGCTATGGCTACTGGAGCCTTGGCCATTTGAGCC-3'
Protein context (NP_001366079.1, residues 516-536): SSGGNQCSGE[Gly526Arg]QGSRGGQGSN

ClinVar aggregate classification (germline): Uncertain significance (1 of 4 stars; one submission).

Submission:

CeGaT Center for Human Genetics Tuebingen
Classification: Uncertain significance. Last evaluated: 2025-09-01. Review status: criteria provided, single submitter. Criteria: CeGaT Center For Human Genetics Tuebingen Variant Classification Criteria Version 2. Collection method: clinical testing. Allele origin: germline. Affected: yes. Observed: 1 variant allele.
Comment: IRS4: PM2, BP4